The following is an entry in ClinVar:

ClinVar aggregate classification (germline): Uncertain significance. Review status: criteria provided, multiple submitters, no conflicts (2 of 4 stars). 4 submissions from 4 submitters: Uncertain significance (4). Last evaluated 2025-03-09.

Conditions:
Benign neonatal seizures. Also called: Benign familial neonatal epilepsy; Benign familial neonatal seizures; Benign neonatal familial convulsions; Convulsions benign familial neonatal dominant form; Autosomal dominant form of benign neonatal seizures. Identifiers: Orphanet 1949, MedGen C0220669, MONDO:0016027.
Seizures, benign familial neonatal, 2. Also called: Benign Neonatal Epilepsy 2; Seizures, benign neonatal, 2; CONVULSIONS, BENIGN FAMILIAL NEONATAL, 2; KCNQ3-Related Benign Familial Neonatal Epilepsy; KCNQ3-Related Self-Limited Familial Neonatal Epilepsy (SLFNE). Identifiers: Orphanet 1949, MedGen C1852581, MONDO:0007366, OMIM 121201.

Submissions (4):

Labcorp Genetics (formerly Invitae), Labcorp
Classification: Uncertain significance for Benign neonatal seizures. Last evaluated: 2025-03-09. Review status: criteria provided, single submitter. Criteria: Invitae Variant Classification Sherloc (09022015). Collection method: clinical testing. Allele origin: germline.
Comment: This sequence change replaces lysine, which is basic and polar, with glutamic acid, which is acidic and polar, at codon 531 of the KCNQ3 protein (p.Lys531Glu). This variant is not present in population databases (gnomAD no frequency). This variant has not been reported in the literature in individuals affected with KCNQ3-related conditions. ClinVar contains an entry for this variant (Variation ID: 205974). Invitae Evidence Modeling of protein sequence and biophysical properties (such as structural, functional, and spatial information, amino acid conservation, physicochemical variation, residue mobility, and thermodynamic stability) indicates that this missense variant is expected to disrupt KCNQ3 protein function with a positive predictive value of 80%. In summary, the available evidence is currently insufficient to determine the role of this variant in disease. Therefore, it has been classified as a Variant of Uncertain Significance.

Women's Health and Genetics/Laboratory Corporation of America, LabCorp
Classification: Uncertain significance. Last evaluated: 2025-01-14. Review status: criteria provided, single submitter. Criteria: LabCorp Variant Classification Summary - May 2015. Collection method: clinical testing. Allele origin: germline.
Comment: Variant summary: KCNQ3 c.1591A>G (p.Lys531Glu) results in a conservative amino acid change located in the KCNQ voltage-gated potassium channel domain ( IPR013821) of the encoded protein sequence. Four of five in-silico tools predict a damaging effect of the variant on protein function. The variant was absent in 249682 control chromosomes. The available data on variant occurrences in the general population are insufficient to allow any conclusion about variant significance. To our knowledge, no occurrence of c.1591A>G in individuals affected with Benign Familial Neonatal Seizures 2 and no experimental evidence demonstrating its impact on protein function have been reported. ClinVar contains an entry for this variant (Variation ID: 205974). Based on the evidence outlined above, the variant was classified as uncertain significance.

GeneDx
Classification: Uncertain significance. Last evaluated: 2023-09-06. Review status: criteria provided, single submitter. Criteria: GeneDx Variant Classification Process June 2021. Collection method: clinical testing. Allele origin: germline. Affected: yes.
Comment: Has not been previously published as pathogenic or benign to our knowledge; Not observed at significant frequency in large population cohorts (gnomAD); In silico analysis supports that this missense variant has a deleterious effect on protein structure/function

CENTOGENE GmbH and LLC - Guiding Precision Medicine
Classification: Uncertain significance for Seizures, benign familial neonatal, 2. Last evaluated: 2019-09-30. Review status: criteria provided, single submitter. Criteria: ACMG Guidelines, 2015. Collection method: clinical testing. Allele origin: germline. Affected: yes.

NM_004519.4(KCNQ3):c.1591A>G (p.Lys531Glu)

Gene: KCNQ3 (potassium voltage-gated channel subfamily Q member 3; minus strand). Cytogenetic location: 8q24.22.
Variant type: single nucleotide variant.
Coding change: c.1591A>G on transcript NM_004519.4 (MANE Select); coding-DNA position 1591, A replaced by G.
Protein change: p.Lys531Glu; replaces lysine 531 with glutamic acid.
Molecular consequence: missense variant.
Genome position (GRCh38, 1-based): chr8:132,137,994, T>C on the plus strand (A>G on the coding strand, the complement: KCNQ3 is on the minus strand). VCF-style: chr8-132137994-T-C. GRCh37 (hg19) VCF-style: chr8-133150241-T-C.
Other names: p.K531E:AAA>GAA; c.1231A>G, p.Lys411Glu (NM_001204824.2); short protein forms K531E, K411E.
Identifiers: ClinVar variation 205974 (VCV000205974.8), dbSNP rs796052681, ClinGen allele CA315615.
Genomic context (GRCh38, chr8:132,137,994, plus strand): 5'-AATACTGCTCAATCACATCCTTCACATCGTAAGGCCTCAAAGTCTCCTTGAATTTTTTTT[T>C]ATAGAGACGGAATTGTAGAATTCTGCAAGGCAAAGTAGAGGCATTTGTGCATCCCATGTG-3'
Protein context (NP_004510.1, residues 521-541): AVRILQFRLY[Lys531Glu]KKFKETLRPY